The following is an entry in ClinVar:

NM_000503.6(EYA1):c.-271G>A

Gene: EYA1 (EYA transcriptional coactivator and phosphatase 1; minus strand). Cytogenetic location: 8q13.3.
Variant type: single nucleotide variant.
Coding change: c.-271G>A on transcript NM_000503.6 (MANE Select); 271 bases upstream of the start codon, G replaced by A.
Molecular consequence: 5 prime UTR variant. On other transcripts: intron variant (5).
Genome position (GRCh38, 1-based): chr8:71,361,863, C>T on the plus strand (G>A on the coding strand, the complement: EYA1 is on the minus strand). VCF-style: chr8-71361863-C-T. GRCh37 (hg19) VCF-style: chr8-72274098-C-T.
Other names: c.-271G>A (NM_001288574.2); c.-555G>A (NM_001288575.2); c.34-5352G>A (NM_001370336.1, NM_001370333.1, NM_172059.5); c.-54-5352G>A (NM_001370335.1, NM_001370334.1).
Identifiers: ClinVar variation 363674 (VCV000363674.5), dbSNP rs73684755, ClinGen allele CA10625772.

ClinVar aggregate classification (germline): Benign. Review status: criteria provided, single submitter (1 of 4 stars). 2 submissions from 1 submitter: Benign (2). Last evaluated 2018-01-12.

Conditions:
Otofaciocervical syndrome 1 (OTFCS). Identifiers: MedGen C3714941, MONDO:0024532, OMIM 166780.
Branchiootic syndrome 1 (BOS1). Also called: BO SYNDROME 1; BRANCHIOOTIC DYSPLASIA. Identifiers: MedGen C1865143, MONDO:0011258, OMIM 602588.

Allele frequency attached by ClinVar (database versions not stated): gnomAD exomes 0.00151; 1000 Genomes Project 0.01917; gnomAD 0.01951 and 0.02116; TOPMed 0.02142; 1000 Genomes Project 30x 0.02155.
gnomAD v4.1: 4,262 of 985,436 alleles (0.43%); highest among the groups gnomAD compares: African/African-American, 6.9%; 149 homozygotes.

Submissions (2):

Illumina Laboratory Services, Illumina
Classification: Benign for Branchiootic syndrome. Last evaluated: 2018-01-12. Review status: criteria provided, single submitter. Criteria: ICSL Variant Classification Criteria 13 December 2019. Collection method: clinical testing. Allele origin: germline.
Comment: This variant was observed in the ICSL laboratory as part of a predisposition screen in an ostensibly healthy population. It had not been previously curated by ICSL or reported in the Human Gene Mutation Database (HGMD: prior to June 1st, 2018), and was therefore a candidate for classification through an automated scoring system. Utilizing variant allele frequency, disease prevalence and penetrance estimates, and inheritance mode, an automated score was calculated to assess if this variant is too frequent to cause the disease. Based on the score and internal cut-off values, a variant classified as benign is not then subjected to further curation. The score for this variant resulted in a classification of benign for this disease.

Illumina Laboratory Services, Illumina
Classification: Benign for Otofaciocervical syndrome 1. Last evaluated: 2018-01-12. Review status: criteria provided, single submitter. Criteria: ICSL Variant Classification Criteria 13 December 2019. Collection method: clinical testing. Allele origin: germline.
Comment: the same text as in the submission from Illumina Laboratory Services, Illumina above.